The following is an entry in ClinVar:

NM_004208.4(AIFM1):c.31G>C (p.Ala11Pro)

Genes: AIFM1 (apoptosis inducing factor mitochondria associated 1; minus strand), RAB33A (RAB33A, member RAS oncogene family; plus strand), LOC130068679 (ATAC-STARR-seq lymphoblastoid active region 29939; plus strand). Cytogenetic location: Xq26.1.
Variant type: single nucleotide variant.
Coding change: c.31G>C on transcript NM_004208.4 (MANE Select); coding-DNA position 31, G replaced by C.
Protein change: p.Ala11Pro; replaces alanine 11 with proline.
Molecular consequence: missense variant. On other transcripts: non-coding transcript variant (1).
Genome position (GRCh38, 1-based): chrX:130,165,626, C>G on the plus strand (G>C on the coding strand, the complement: AIFM1 is on the minus strand). VCF-style: chrX-130165626-C-G. GRCh37 (hg19) VCF-style: chrX-129299600-C-G.
Other names: c.31G>C, p.Ala11Pro (NM_001130847.4, NM_145812.3); short protein forms A11P.
Identifiers: ClinVar variation 2937368 (VCV002937368.3), dbSNP rs777684681, ClinGen allele CA10515547.

ClinVar aggregate classification (germline): Uncertain significance (1 of 4 stars; one submission).

Conditions:
Charcot-Marie-Tooth Neuropathy X. Identifiers: MedGen CN118851.
Combined oxidative phosphorylation deficiency. Identifiers: MedGen C4540031, MONDO:0000732.

gnomAD v4.1: 1 of 1,200,978 alleles (0.000083%); highest among the groups gnomAD compares: Non-Finnish European, 0.00011%; no homozygotes.

Submission:

Labcorp Genetics (formerly Invitae), Labcorp
Classification: Uncertain significance for Charcot-Marie-Tooth Neuropathy X; Combined oxidative phosphorylation deficiency. Last evaluated: 2023-12-09. Review status: criteria provided, single submitter. Criteria: Invitae Variant Classification Sherloc (09022015). Collection method: clinical testing. Allele origin: germline.
Comment: This sequence change replaces alanine, which is neutral and non-polar, with proline, which is neutral and non-polar, at codon 11 of the AIFM1 protein (p.Ala11Pro). This variant is not present in population databases (gnomAD no frequency). This variant has not been reported in the literature in individuals affected with AIFM1-related conditions. Advanced modeling of protein sequence and biophysical properties (such as structural, functional, and spatial information, amino acid conservation, physicochemical variation, residue mobility, and thermodynamic stability) has been performed at Invitae for this missense variant, however the output from this modeling did not meet the statistical confidence thresholds required to predict the impact of this variant on AIFM1 protein function. In summary, the available evidence is currently insufficient to determine the role of this variant in disease. Therefore, it has been classified as a Variant of Uncertain Significance.